The following is an entry in ClinVar:

ClinVar aggregate classification (germline): Uncertain significance. Review status: criteria provided, multiple submitters, no conflicts (2 of 4 stars). 6 submissions from 6 submitters: Uncertain significance (6). Last evaluated 2026-01-20.

Conditions:
Hereditary cancer-predisposing syndrome. Also called: Neoplastic Syndromes, Hereditary; Tumor predisposition; Hereditary neoplastic syndrome; Hereditary Cancer Syndrome. Identifiers: Orphanet 140162, MedGen C0027672, MeSH D009386, MONDO:0015356.
Endometrial carcinoma. Also called: Endometrial carcinoma, somatic. Identifiers: MedGen C0476089, MONDO:0002447, OMIM 608089, HP:0012114.
Familial adenomatous polyposis 4 (FAP4). Also called: MSH3-related attenuated familial adenomatous polyposis. Identifiers: Orphanet 480536, MedGen C4310719, MONDO:0044300, OMIM 617100.

Allele frequency attached by ClinVar (database versions not stated): gnomAD exomes 0.00001 and 0.00003; ExAC 0.00004; TOPMed 0.00008; gnomAD 0.00010 and 0.00011; ESP Exome Variant Server 0.00031.
gnomAD v4.1: 25 of 1,612,666 alleles (0.0016%); highest among the groups gnomAD compares: African/African-American, 0.032%; no homozygotes.

Submissions (6):

Labcorp Genetics (formerly Invitae), Labcorp
Classification: Uncertain significance. Last evaluated: 2026-01-20. Review status: criteria provided, single submitter. Criteria: Invitae Variant Classification Sherloc (09022015). Collection method: clinical testing. Allele origin: germline.
Comment: This sequence change replaces aspartic acid, which is acidic and polar, with glycine, which is neutral and non-polar, at codon 185 of the MSH3 protein (p.Asp185Gly). This variant is present in population databases (rs144012714, gnomAD 0.06%). This variant has not been reported in the literature in individuals affected with MSH3-related conditions. ClinVar contains an entry for this variant (Variation ID: 644519). An algorithm developed to predict the effect of missense changes on protein structure and function (PolyPhen-2) suggests that this variant is likely to be tolerated. RNA analysis performed to evaluate the impact of this missense change on mRNA splicing indicates it does not significantly alter splicing (internal data). In summary, the available evidence is currently insufficient to determine the role of this variant in disease. Therefore, it has been classified as a Variant of Uncertain Significance.

Ambry Genetics
Classification: Uncertain significance for Hereditary cancer-predisposing syndrome. Last evaluated: 2024-12-20. Review status: criteria provided, single submitter. Criteria: Ambry Variant Classification Scheme 2023. Collection method: clinical testing. Allele origin: germline.
Comment: The p.D185G variant (also known as c.554A>G), located in coding exon 3 of the MSH3 gene, results from an A to G substitution at nucleotide position 554. The aspartic acid at codon 185 is replaced by glycine, an amino acid with similar properties. This amino acid position is highly conserved in available vertebrate species. In addition, the in silico prediction for this alteration is inconclusive. Based on the available evidence, the clinical significance of this variant remains unclear.

GeneDx
Classification: Uncertain significance. Last evaluated: 2024-07-12. Review status: criteria provided, single submitter. Criteria: GeneDx Variant Classification Process June 2021. Collection method: clinical testing. Allele origin: germline. Affected: yes.
Comment: In silico analysis indicates that this missense variant does not alter protein structure/function; Has not been previously published as pathogenic or benign to our knowledge

Fulgent Genetics
Classification: Uncertain significance for Endometrial carcinoma; Familial adenomatous polyposis 4. Last evaluated: 2024-05-23. Review status: criteria provided, single submitter. Criteria: ACMG Guidelines, 2015. Collection method: clinical testing. Allele origin: germline.

Baylor Genetics
Classification: Uncertain significance for Endometrial carcinoma. Last evaluated: 2024-03-17. Review status: criteria provided, single submitter. Criteria: ACMG Guidelines, 2015. Collection method: clinical testing. Allele origin: unknown.

Sema4
Classification: Uncertain significance for Hereditary cancer-predisposing syndrome. Last evaluated: 2021-10-28. Review status: criteria provided, single submitter. Criteria: Sema4 Curation Guidelines. Collection method: curation. Allele origin: germline.
Comment: The MSH3 c.554A>G (p.D185G) variant has not been reported in the literature to our knowledge. It was observed in 14/24952 chromosomes of the African subpopulation, with no homozygotes, in the large and broad cohorts of the Genome Aggregation Database (PMID: 32461654). The variant has been reported in ClinVar (Variation ID 644519). Functional studies have not been performed, and in silico predictions of the variant's effect on protein function are inconclusive. The evidence is insufficient to meet ACMG/AMP criteria for classifying the variant as benign or pathogenic. Thus, the clinical significance of this variant is currently uncertain.

NM_002439.5(MSH3):c.554A>G (p.Asp185Gly)

Gene: MSH3 (mutS homolog 3; plus strand). Cytogenetic location: 5q14.1.
Variant type: single nucleotide variant.
Coding change: c.554A>G on transcript NM_002439.5 (MANE Select); coding-DNA position 554, A replaced by G.
Protein change: p.Asp185Gly; replaces aspartic acid 185 with glycine.
Molecular consequence: missense variant.
Genome position (GRCh38, 1-based): chr5:80,665,338, A>G. VCF-style: chr5-80665338-A-G. GRCh37 (hg19) VCF-style: chr5-79961157-A-G.
Other names: short protein forms D185G.
Identifiers: ClinVar variation 644519 (VCV000644519.17), dbSNP rs144012714, ClinGen allele CA3327631.
Genomic context (GRCh38, chr5:80,665,338, plus strand): 5'-AATGTACTGATTTTGATGATATCAGTCTTCTACACGCAAAGAATGCAGTTTCTTCTGAAG[A>G]TTCGAAACGTCAAATTAATCAAAAGGTATGTAACTGCTATAGATGAGTATCCAGTTACCT-3'
Protein context (NP_002430.3, residues 175-195): LHAKNAVSSE[Asp185Gly]SKRQINQKDT